The following is an entry in ClinVar:

ClinVar aggregate classification (germline): Likely pathogenic (1 of 4 stars; one submission).

Conditions:
Neuronopathy, distal hereditary motor, autosomal dominant 11. Also called: NEUROPATHY, DISTAL HEREDITARY MOTOR, 11. Identifiers: MedGen C5882697, MONDO:0957875, OMIM 620528.

Submission:

Clinical Biomedical Laboratory, Shriners Hospital For Children - Canada
Classification: Likely pathogenic for Neuronopathy, distal hereditary motor, autosomal dominant 11. Review status: criteria provided, single submitter. Criteria: ACMG Guidelines, 2015. Collection method: clinical testing. Allele origin: germline. Affected: yes.
Comment: This variant is expected to result in loss of function from this allele through nonsense-mediated mRNA decay. This variant is absent from the Genome Aggregation Database, v2.1.1. Based on the ACMG variant interpretation guidelines, the available evidence supports classification of this variant as likely pathogenic.

NM_001130438.3(SPTAN1):c.4737dup (p.Lys1580fs)

Gene: SPTAN1 (spectrin alpha, non-erythrocytic 1; plus strand). Cytogenetic location: 9q34.11.
Variant type: Duplication.
Coding change: c.4737dup on transcript NM_001130438.3 (MANE Select); coding-DNA position 4737, one base duplicated (C; older notation c.4737dupC).
Protein change: p.Lys1580fs; shifts the reading frame from lysine 1580.
Molecular consequence: frameshift variant.
Genome position (GRCh38, 1-based): chr9:128,609,263, C duplicated. VCF-style (leftmost placement, unchanged base first): chr9-128609262-A-AC. GRCh37 (hg19) VCF-style: chr9-131371541-A-AC.
Other names: c.4677dup, p.Lys1560fs (NM_001195532.2, NM_001363765.2, NM_001375314.2 and 3 more transcripts); c.4737dup, p.Lys1580fs (NM_001363759.2, NM_001375310.1, NM_001375311.2 and 4 more transcripts); c.4773dup, p.Lys1592fs (NM_001375312.2, NM_001375318.1, NM_001438440.1); short protein forms K1560fs, K1580fs, K1592fs.
Identifiers: ClinVar variation 4819340 (VCV004819340.1).